The following is an entry in ClinVar:

NM_000368.5(TSC1):c.1567G>C (p.Ala523Pro)

Gene: TSC1 (TSC complex subunit 1; minus strand). Cytogenetic location: 9q34.13.
Variant type: single nucleotide variant.
Coding change: c.1567G>C on transcript NM_000368.5 (MANE Select); coding-DNA position 1567, G replaced by C.
Protein change: p.Ala523Pro; replaces alanine 523 with proline.
Molecular consequence: missense variant.
Genome position (GRCh38, 1-based): chr9:132,906,011, C>G on the plus strand (G>C on the coding strand, the complement: TSC1 is on the minus strand). VCF-style: chr9-132906011-C-G. GRCh37 (hg19) VCF-style: chr9-135781398-C-G.
Other names: c.1564G>C, p.Ala522Pro (NM_001162426.2); c.1414G>C, p.Ala472Pro (NM_001162427.2); c.1204G>C, p.Ala402Pro (NM_001362177.2); short protein forms A523P, A522P, A402P, A472P.
Identifiers: ClinVar variation 48803 (VCV000048803.19), dbSNP rs118203548, ClinGen allele CA005056.

ClinVar aggregate classification (germline): Benign/Likely benign. Review status: criteria provided, multiple submitters, no conflicts (2 of 4 stars). 6 submissions from 6 submitters: Benign (3); Likely benign (2). 1 of the submissions does not count toward it. Last evaluated 2026-01-19.

Conditions:
Hereditary cancer-predisposing syndrome. Also called: Tumor predisposition; Hereditary Cancer Syndrome; Hereditary neoplastic syndrome; Neoplastic Syndromes, Hereditary. Identifiers: Orphanet 140162, MedGen C0027672, MeSH D009386, MONDO:0015356.
Tuberous sclerosis syndrome (TSC). Also called: Tuberous Sclerosis Complex; Tuberous sclerosis. Identifiers: Orphanet 805, MedGen C0041341, MONDO:0001734.
Tuberous sclerosis 1 (TSC1). Identifiers: Orphanet 805, MedGen C1854465, MONDO:0008612, OMIM 191100.

Allele frequency attached by ClinVar (database versions not stated): gnomAD exomes 0.00001 and 0.00005; ExAC 0.00006; gnomAD 0.00008; TOPMed 0.00009; 1000 Genomes Project 0.00040; 1000 Genomes Project 30x 0.00047.
gnomAD v4.1: 23 of 1,614,066 alleles (0.0014%); highest among the groups gnomAD compares: African/African-American, 0.021%; no homozygotes.

Submissions (6):

Labcorp Genetics (formerly Invitae), Labcorp
Classification: Benign for Tuberous sclerosis 1. Last evaluated: 2026-01-19. Review status: criteria provided, single submitter. Criteria: Invitae Variant Classification Sherloc (09022015). Collection method: clinical testing. Allele origin: germline.

Myriad Genetics, Inc.
Classification: Likely benign for Tuberous sclerosis 1. Last evaluated: 2024-08-08. Review status: criteria provided, single submitter. Criteria: Myriad Autosomal Dominant, Autosomal Recessive and X-Linked Classification Criteria (2023). Collection method: clinical testing. Allele origin: unknown.
Comment: This variant is considered likely benign. This variant has been observed at a population frequency that is significantly greater than expected given the associated disease prevalence and penetrance.

Color Diagnostics, LLC DBA Color Health
Classification: Benign for Tuberous sclerosis syndrome. Last evaluated: 2023-01-17. Review status: criteria provided, single submitter. Criteria: ACMG Guidelines, 2015. Collection method: clinical testing. Allele origin: germline.

Genome-Nilou Lab
Classification: Benign for Tuberous sclerosis 1. Last evaluated: 2021-11-07. Review status: criteria provided, single submitter. Criteria: ACMG Guidelines, 2015. Collection method: clinical testing. Allele origin: germline. Affected: no.

Ambry Genetics
Classification: Likely benign for Hereditary cancer-predisposing syndrome. Last evaluated: 2018-09-14. Review status: criteria provided, single submitter. Criteria: Ambry Variant Classification Scheme 2023. Collection method: clinical testing. Allele origin: germline.

Tuberous sclerosis database (TSC1)
No classification provided. Condition: TSC. Review status: no classification provided. Criteria: Tuberous Sclerosis Database Assertion Criteria 2015. Collection method: curation. Allele origin: germline. Affected: yes. Not counted in ClinVar's aggregate classification.